The following is an entry in ClinVar:

ClinVar aggregate classification (germline): Likely pathogenic (1 of 4 stars; one submission).

Conditions:
Nemaline myopathy 2 (NEM2). Also called: Nemaline myopathy 2, autosomal recessive. Identifiers: MedGen C1850569, MONDO:0009725, OMIM 256030.

Submission:

Natera, Inc.
Classification: Likely pathogenic for Nemaline myopathy type 2. Last evaluated: 2024-07-24. Review status: criteria provided, single submitter. Criteria: Natera Variant Classification Schema (03/2026). Collection method: clinical testing. Allele origin: germline.
Comment: The c.8614dup variant in NEB is a frameshift variant predicted to shift the reading frame beginning at codon 2872 and leads to a stop codon 20 codons downstream. This variant is expected to result in nonsense mediated decay, truncation, or a dysfunctional protein product. This variant is rare in the general population with a frequency below the threshold expected for the associated phenotype(s). Given the available evidence, this variant is classified as Likely Pathogenic.

NM_001164508.2(NEB):c.8614dup (p.His2872fs)

Gene: NEB (nebulin; minus strand). Cytogenetic location: 2q23.3.
Variant type: Duplication.
Coding change: c.8614dup on transcript NM_001164508.2 (MANE Select); coding-DNA position 8614, one base duplicated (C; older notation c.8614dupC).
Protein change: p.His2872fs; shifts the reading frame from histidine 2872.
Molecular consequence: frameshift variant.
Genome position (GRCh38, 1-based): chr2:151,640,426, G duplicated on the plus strand (C on the coding strand, the reverse complement: NEB is on the minus strand). VCF-style (leftmost placement, unchanged base first): chr2-151640425-T-TG. GRCh37 (hg19) VCF-style: chr2-152496939-T-TG.
Other names: c.8614dup, p.His2872fs (NM_001164507.2, NM_001271208.2, NM_004543.5); short protein forms H2872fs.
Identifiers: ClinVar variation 4814793 (VCV004814793.1).